The following is an entry in ClinVar:

NM_138576.4(BCL11B):c.1540G>A (p.Asp514Asn)

Gene: BCL11B (BCL11 transcription factor B; minus strand). Cytogenetic location: 14q32.2.
Variant type: single nucleotide variant.
Coding change: c.1540G>A on transcript NM_138576.4 (MANE Select); coding-DNA position 1540, G replaced by A.
Protein change: p.Asp514Asn; replaces aspartic acid 514 with asparagine.
Molecular consequence: missense variant.
Genome position (GRCh38, 1-based): chr14:99,175,296, C>T on the plus strand (G>A on the coding strand, the complement: BCL11B is on the minus strand). VCF-style: chr14-99175296-C-T. GRCh37 (hg19) VCF-style: chr14-99641633-C-T.
Other names: c.1540G>A (NM_138576.2); c.1537G>A, p.Asp513Asn (NM_001282237.2); c.1324G>A, p.Asp442Asn (NM_001282238.2); c.1327G>A, p.Asp443Asn (NM_022898.3); short protein forms D514N, D442N, D443N, D513N.
Identifiers: ClinVar variation 3004986 (VCV003004986.4), dbSNP rs1347387231, ClinGen allele CA390935160.

ClinVar aggregate classification (germline): Conflicting classifications of pathogenicity. Review status: criteria provided, conflicting classifications (1 of 4 stars). 2 submissions from 2 submitters: Uncertain significance (1); Likely benign (1). Last evaluated 2025-07-10.

Conditions:
Inborn genetic diseases. Identifiers: MedGen C0950123, MeSH D030342.

Allele frequency attached by ClinVar (database versions not stated): gnomAD exomes below 0.00001; TOPMed 0.00001.
gnomAD v4.1: 2 of 1,540,076 alleles (0.00013%); highest among the groups gnomAD compares: Admixed American, 0.0019%; no homozygotes.

Submissions (2):

Ambry Genetics
Classification: Likely benign for Inborn genetic diseases. Last evaluated: 2025-07-10. Review status: criteria provided, single submitter. Criteria: Ambry Variant Classification Scheme 2023. Collection method: clinical testing. Allele origin: germline.

Labcorp Genetics (formerly Invitae), Labcorp
Classification: Uncertain significance. Last evaluated: 2023-08-11. Review status: criteria provided, single submitter. Criteria: Invitae Variant Classification Sherloc (09022015). Collection method: clinical testing. Allele origin: germline.
Comment: In summary, the available evidence is currently insufficient to determine the role of this variant in disease. Therefore, it has been classified as a Variant of Uncertain Significance. Advanced modeling of protein sequence and biophysical properties (such as structural, functional, and spatial information, amino acid conservation, physicochemical variation, residue mobility, and thermodynamic stability) performed at Invitae indicates that this missense variant is not expected to disrupt BCL11B protein function. This variant has not been reported in the literature in individuals affected with BCL11B-related conditions. The frequency data for this variant in the population databases is considered unreliable, as metrics indicate poor data quality at this position in the gnomAD database. This sequence change replaces aspartic acid, which is acidic and polar, with asparagine, which is neutral and polar, at codon 514 of the BCL11B protein (p.Asp514Asn).